The following is an entry in ClinVar:

ClinVar aggregate classification (germline): Uncertain significance (1 of 4 stars; one submission).

gnomAD v4.1: 1 of 1,614,122 alleles (0.000062%); highest among the groups gnomAD compares: Non-Finnish European, 0.000085%; no homozygotes.

Submission:

Ambry Genetics
Classification: Uncertain significance. Last evaluated: 2026-06-25. Review status: criteria provided, single submitter. Criteria: Ambry Variant Classification Scheme 2023. Collection method: clinical testing. Allele origin: germline.
Comment: The p.M739I variant (also known as c.2217G>A), located in coding exon 12 of the ATRIP gene, results from a G to A substitution at nucleotide position 2217. The methionine at codon 739 is replaced by isoleucine, an amino acid with highly similar properties. This amino acid position is conserved. In addition, this alteration is predicted to be tolerated by in silico analysis. Based on the available evidence, the clinical significance of this variant remains unclear.

NM_130384.3(ATRIP):c.2217G>A (p.Met739Ile)

Genes: ATRIP (ATR interacting protein; plus strand), ATRIP-TREX1 (ATRIP-TREX1 readthrough; plus strand). Cytogenetic location: 3p21.31.
Variant type: single nucleotide variant.
Coding change: c.2217G>A on transcript NM_130384.3 (MANE Select); coding-DNA position 2217, G replaced by A.
Protein change: p.Met739Ile; replaces methionine 739 with isoleucine.
Molecular consequence: missense variant. On other transcripts: non-coding transcript variant (1).
Genome position (GRCh38, 1-based): chr3:48,464,992, G>A. VCF-style: chr3-48464992-G-A. GRCh37 (hg19) VCF-style: chr3-48506391-G-A.
Other names: c.1836G>A, p.Met612Ile (NM_001271022.2); c.1938G>A, p.Met646Ile (NM_001271023.2); c.2136G>A, p.Met712Ile (NM_032166.4); short protein forms M712I, M646I, M612I, M739I.
Identifiers: ClinVar variation 5032410 (VCV005032410.1).